The following is an entry in ClinVar:

ClinVar aggregate classification (germline): Uncertain significance (1 of 4 stars; one submission).

Submission:

Greenwood Genetic Center Diagnostic Laboratories, Greenwood Genetic Center
Classification: Uncertain significance. Last evaluated: 2025-05-05. Review status: criteria provided, single submitter. Criteria: ACMG Guidelines, 2015. Collection method: clinical testing. Allele origin: germline. Affected: yes.
Comment: PM2

NM_020791.4(TAOK1):c.2534T>G (p.Leu845Ter)

Gene: TAOK1 (TAO kinase 1; plus strand). Cytogenetic location: 17q11.2.
Variant type: single nucleotide variant.
Coding change: c.2534T>G on transcript NM_020791.4 (MANE Select); coding-DNA position 2534, T replaced by G.
Protein change: p.Leu845Ter; replaces leucine 845 with a stop codon.
Molecular consequence: nonsense.
Genome position (GRCh38, 1-based): chr17:29,534,290, T>G. VCF-style: chr17-29534290-T-G. GRCh37 (hg19) VCF-style: chr17-27861308-T-G.
Other names: c.2090T>G, p.Leu697Ter (NM_025142.1); short protein forms L697*, L845*.
Identifiers: ClinVar variation 4538206 (VCV004538206.1).